The following is an entry in ClinVar:

ClinVar aggregate classification (germline): Benign. Review status: criteria provided, multiple submitters, no conflicts (2 of 4 stars). 7 submissions from 6 submitters: Benign (7). Last evaluated 2026-02-04.

Conditions:
Congenital ichthyosis of skin. Identifiers: MedGen C0020758.
Autosomal recessive congenital ichthyosis 4B (ARCI4B). Also called: ICHTHYOSIS CONGENITA, HARLEQUIN FETUS TYPE; Ichthyosis, congenital, autosomal recessive 4B (harlequin); Harlequin Fetus; HARLEQUIN ICHTHYOSIS. Identifiers: Orphanet 457, MedGen C0598226, MONDO:0009443, OMIM 242500.
Autosomal recessive congenital ichthyosis 4A (LI2). Also called: ICHTHYOSIS CONGENITA IIB. Identifiers: Orphanet 313, MedGen C1832550, MONDO:0011026, OMIM 601277.

Allele frequency attached by ClinVar (database versions not stated): TOPMed 0.18536; ESP Exome Variant Server 0.18545; 1000 Genomes Project 0.19549; 1000 Genomes Project 30x 0.18973; gnomAD 0.19930 and 0.19721; ExAC 0.23313; gnomAD exomes 0.23534 and 0.24598.
gnomAD v4.1: 389,606 of 1,613,940 alleles (24%); highest among the groups gnomAD compares: East Asian, 35%; 49,991 homozygotes.

Submissions (7):

Labcorp Genetics (formerly Invitae), Labcorp
Classification: Benign. Last evaluated: 2026-02-04. Review status: criteria provided, single submitter. Criteria: Invitae Variant Classification Sherloc (09022015). Collection method: clinical testing. Allele origin: germline.

Genome-Nilou Lab
Classification: Benign for Autosomal recessive congenital ichthyosis 4A. Last evaluated: 2021-07-14. Review status: criteria provided, single submitter. Criteria: ACMG Guidelines, 2015. Collection method: clinical testing. Allele origin: germline. Affected: no.

Genome-Nilou Lab
Classification: Benign for Autosomal recessive congenital ichthyosis 4B. Last evaluated: 2021-07-14. Review status: criteria provided, single submitter. Criteria: ACMG Guidelines, 2015. Collection method: clinical testing. Allele origin: germline. Affected: no.

Illumina Laboratory Services, Illumina
Classification: Benign for Congenital ichthyosis of skin. Last evaluated: 2018-01-13. Review status: criteria provided, single submitter. Criteria: ICSL Variant Classification Criteria 13 December 2019. Collection method: clinical testing. Allele origin: germline.
Comment: This variant was observed in the ICSL laboratory as part of a predisposition screen in an ostensibly healthy population. It had not been previously curated by ICSL or reported in the Human Gene Mutation Database (HGMD: prior to June 1st, 2018), and was therefore a candidate for classification through an automated scoring system. Utilizing variant allele frequency, disease prevalence and penetrance estimates, and inheritance mode, an automated score was calculated to assess if this variant is too frequent to cause the disease. Based on the score and internal cut-off values, a variant classified as benign is not then subjected to further curation. The score for this variant resulted in a classification of benign for this disease.

GeneDx
Classification: Benign. Last evaluated: 2015-03-03. Review status: criteria provided, single submitter. Criteria: GeneDx Variant Classification Process June 2021. Collection method: clinical testing. Allele origin: germline. Affected: yes.

Breakthrough Genomics
Classification: Benign. Review status: criteria provided, single submitter. Criteria: ACMG Guidelines, 2015. Collection method: not provided. Allele origin: germline. Inheritance: Autosomal recessive inheritance. Affected: yes.

PreventionGenetics, part of Exact Sciences
Classification: Benign. Review status: criteria provided, single submitter. Criteria: ACMG Guidelines, 2015. Collection method: clinical testing. Allele origin: germline.

NM_173076.3(ABCA12):c.3033A>G (p.Pro1011=)

Gene: ABCA12 (ATP binding cassette subfamily A member 12; minus strand). Cytogenetic location: 2q35.
Variant type: single nucleotide variant.
Coding change: c.3033A>G on transcript NM_173076.3 (MANE Select); coding-DNA position 3033, A replaced by G.
Protein change: p.Pro1011=; no amino-acid change (proline 1011 retained).
Molecular consequence: synonymous variant. On other transcripts: non-coding transcript variant (1).
Genome position (GRCh38, 1-based): chr2:215,000,851, T>C on the plus strand (A>G on the coding strand, the complement: ABCA12 is on the minus strand). VCF-style: chr2-215000851-T-C. GRCh37 (hg19) VCF-style: chr2-215865575-T-C.
Other names: c.2079A>G, p.Pro693= (NM_015657.4).
Identifiers: ClinVar variation 262825 (VCV000262825.19), dbSNP rs10498030, ClinGen allele CA2091816.